The following is an entry in ClinVar:

NM_007327.4(GRIN1):c.1921A>C (p.Met641Leu)

Gene: GRIN1 (glutamate ionotropic receptor NMDA type subunit 1; plus strand). Cytogenetic location: 9q34.3.
Variant type: single nucleotide variant.
Coding change: c.1921A>C on transcript NM_007327.4 (MANE Select); coding-DNA position 1921, A replaced by C.
Protein change: p.Met641Leu; replaces methionine 641 with leucine.
Molecular consequence: missense variant.
Genome position (GRCh38, 1-based): chr9:137,162,647, A>C. VCF-style: chr9-137162647-A-C. GRCh37 (hg19) VCF-style: chr9-140057099-A-C.
Other names: c.1921A>C, p.Met641Leu (NM_000832.7, NM_021569.4); c.1984A>C, p.Met662Leu (NM_001185090.2, NM_001185091.2); short protein forms M641L, M662L.
Identifiers: ClinVar variation 3340376 (VCV003340376.1).

ClinVar aggregate classification (germline): Pathogenic (1 of 4 stars; one submission).

Submission:

GeneDx
Classification: Pathogenic. Last evaluated: 2023-04-19. Review status: criteria provided, single submitter. Criteria: GeneDx Variant Classification Process June 2021. Collection method: clinical testing. Allele origin: germline. Affected: yes.
Comment: Not observed at significant frequency in large population cohorts (gnomAD); In silico analysis supports that this missense variant has a deleterious effect on protein structure/function; Has not been previously published as pathogenic or benign to our knowledge; This variant is associated with the following publications: (PMID: 27164704, 30355546)